The following is an entry in ClinVar:

NM_001048174.2(MUTYH):c.574G>C (p.Ala192Pro)

Gene: MUTYH (mutY DNA glycosylase; minus strand). Cytogenetic location: 1p34.1.
Variant type: single nucleotide variant.
Coding change: c.574G>C on transcript NM_001048174.2 (MANE Select); coding-DNA position 574, G replaced by C.
Protein change: p.Ala192Pro; replaces alanine 192 with proline.
Molecular consequence: missense variant. On other transcripts: non-coding transcript variant (2).
Genome position (GRCh38, 1-based): chr1:45,332,606, C>G on the plus strand (G>C on the coding strand, the complement: MUTYH is on the minus strand). VCF-style: chr1-45332606-C-G. GRCh37 (hg19) VCF-style: chr1-45798278-C-G.
Other names: c.574G>C, p.Ala192Pro (NM_001048171.2, NM_001048173.2, NM_001293195.2); c.577G>C, p.Ala193Pro (NM_001048172.2); c.658G>C, p.Ala220Pro (NM_001128425.2); c.619G>C, p.Ala207Pro (NM_001293190.2); c.607G>C, p.Ala203Pro (NM_001293191.2); c.298G>C, p.Ala100Pro (NM_001293192.2, NM_001293196.2); c.229G>C, p.Ala77Pro (NM_001350650.2, NM_001350651.2); c.649G>C, p.Ala217Pro (NM_012222.3); short protein forms A193P, A207P, A217P, A220P, A100P, A192P, A203P, A77P.
Identifiers: ClinVar variation 1353777 (VCV001353777.12), dbSNP rs1489217206, ClinGen allele CA340135318.
Genomic context (GRCh38, chr1:45,332,606, plus strand): 5'-ACAAAGTGGGGGTGGGCTGTGAGATCACCTGGCCAAAGGCGATAGAGGCAATGGCCCCAG[C>G]TGTGTAGCGCCCCACGCCAGGCAGGAGCTGCTGCAGGGTCTCTGCTGTACGTGGCATGTG-3'
Protein context (NP_001041639.1, residues 182-202): QLLPGVGRYT[Ala192Pro]GAIASIAFGQ

ClinVar aggregate classification (germline): Conflicting classifications of pathogenicity. Review status: criteria provided, conflicting classifications (1 of 4 stars). 3 submissions from 3 submitters: Likely pathogenic (2); Uncertain significance (1). Last evaluated 2026-07-17.

Conditions:
Familial adenomatous polyposis 2. Also called: MUTYH-associated polyposis; MUTYH-related attenuated familial adenomatous polyposis; COLORECTAL ADENOMATOUS POLYPOSIS, AUTOSOMAL RECESSIVE; ADENOMAS, MULTIPLE COLORECTAL, AUTOSOMAL RECESSIVE; MUTYH Polyposis; MYH-associated polyposis. Identifiers: Orphanet 220460, Orphanet 247798, MedGen C3272841, MONDO:0012041, OMIM 608456.
Hereditary cancer-predisposing syndrome. Also called: Tumor predisposition; Hereditary Cancer Syndrome; Hereditary neoplastic syndrome; Neoplastic Syndromes, Hereditary. Identifiers: Orphanet 140162, MedGen C0027672, MeSH D009386, MONDO:0015356.

gnomAD v4.1: 2 of 1,614,172 alleles (0.00012%); no homozygotes.

Submissions (3):

Myriad Genetics, Inc.
Classification: Likely pathogenic for Familial adenomatous polyposis 2. Last evaluated: 2026-07-17. Review status: criteria provided, single submitter. Criteria: Myriad Autosomal Dominant, Autosomal Recessive and X-Linked Classification Criteria (2023). Collection method: clinical testing. Allele origin: unknown.
Comment: This variant is considered likely pathogenic. Functional studies indicate this variant impacts protein function [PMID: 40738107]. This variant is expected to disrupt protein structure [Myriad internal data].

Ambry Genetics
Classification: Likely pathogenic for Hereditary cancer-predisposing syndrome. Last evaluated: 2025-08-15. Review status: criteria provided, single submitter. Criteria: Ambry Variant Classification Scheme 2023. Collection method: clinical testing. Allele origin: germline.
Comment: The p.A220P variant (also known as c.658G>C), located in coding exon 8 of the MUTYH gene, results from a G to C substitution at nucleotide position 658. The alanine at codon 220 is replaced by proline, an amino acid with highly similar properties. In a massively parallel cell-based functional assay testing 7,8-dihydro-8- oxoguanine:adenine (8OG:A) repair activity, a byproduct of oxidative damage, this variant was reported to be non-functional (Hemker SL et al. Am J Hum Genet. Published online July 29, 2025. DOI: 10.1016/j.ajhg.2025.07.005). This amino acid position is well conserved in available vertebrate species. In addition, this alteration is predicted to be deleterious by in silico analysis. This variant is considered to be rare based on population cohorts in the Genome Aggregation Database (gnomAD). Based on the majority of available evidence to date, this variant is likely to be pathogenic.

Labcorp Genetics (formerly Invitae), Labcorp
Classification: Uncertain significance for Familial adenomatous polyposis 2. Last evaluated: 2021-08-06. Review status: criteria provided, single submitter. Criteria: Invitae Variant Classification Sherloc (09022015). Collection method: clinical testing. Allele origin: germline.
Comment: This variant has been observed in individual(s) with clinical features of MUTYH-associated polyposis (Invitae). In at least one individual the data is consistent with the variant being in trans (on the opposite chromosome) from a pathogenic variant. In summary, the available evidence is currently insufficient to determine the role of this variant in disease. Therefore, it has been classified as a Variant of Uncertain Significance. Algorithms developed to predict the effect of missense changes on protein structure and function (SIFT, PolyPhen-2, Align-GVGD) all suggest that this variant is likely to be disruptive. This variant is not present in population databases (ExAC no frequency). This sequence change replaces alanine with proline at codon 220 of the MUTYH protein (p.Ala220Pro). The alanine residue is highly conserved and there is a small physicochemical difference between alanine and proline.

Literature cited by the submitters: PubMed 40738107 (cited by Myriad Genetics, Inc. and Ambry Genetics).